The following is an entry in ClinVar:

NM_007294.4(BRCA1):c.2392C>G (p.Pro798Ala)

Gene: BRCA1 (BRCA1 DNA repair associated; minus strand). Cytogenetic location: 17q21.31.
Variant type: single nucleotide variant.
Coding change: c.2392C>G on transcript NM_007294.4 (MANE Select); coding-DNA position 2392, C replaced by G.
Protein change: p.Pro798Ala; replaces proline 798 with alanine.
Molecular consequence: missense variant. On other transcripts: intron variant (137).
Genome position (GRCh38, 1-based): chr17:43,093,139, G>C on the plus strand (C>G on the coding strand, the complement: BRCA1 is on the minus strand). VCF-style: chr17-43093139-G-C. GRCh37 (hg19) VCF-style: chr17-41245156-G-C.
Other names: c.2251C>G, p.Pro751Ala (NM_001407725.1, NM_001407726.1, NM_001407727.1 and 29 more transcripts); c.2392C>G, p.Pro798Ala (NM_001407596.1, NM_001407597.1, NM_001407598.1 and 30 more transcripts); c.2128C>G, p.Pro710Ala (NM_001407923.1, NM_001407935.1, NM_001407920.1 and 9 more transcripts); c.2125C>G, p.Pro709Ala (NM_001407934.1, NM_001407936.1, NM_001407930.1 and 2 more transcripts); c.2269C>G, p.Pro757Ala (NM_001407937.1, NM_001407938.1, NM_001407939.1 and 19 more transcripts); c.2248C>G, p.Pro750Ala (NM_001407742.1, NM_001407743.1, NM_001407744.1 and 20 more transcripts); c.2266C>G, p.Pro756Ala (NM_001407940.1, NM_001407941.1, NM_001407685.1 and 11 more transcripts); c.2059C>G, p.Pro687Ala (NM_001407953.1, NM_001407957.1, NM_001407946.1 and 6 more transcripts); and 41 more; short protein forms P798A, P751A, P502A, P687A, P727A, P730A, P771A, P795A.
Identifiers: ClinVar variation 599042 (VCV000599042.5), dbSNP rs398122658, ClinGen allele CA10597224.

ClinVar aggregate classification (germline): Conflicting classifications of pathogenicity. Review status: criteria provided, conflicting classifications (1 of 4 stars). 3 submissions from 3 submitters: Uncertain significance (1); Likely benign (1). 1 of the submissions does not count toward it. Last evaluated 2026-07-16.

Conditions:
Breast and/or ovarian cancer. Identifiers: MedGen CN221562.
Hereditary cancer-predisposing syndrome. Also called: Neoplastic Syndromes, Hereditary; Hereditary Cancer Syndrome; Hereditary neoplastic syndrome; Tumor predisposition. Identifiers: Orphanet 140162, MedGen C0027672, MeSH D009386, MONDO:0015356.

gnomAD v4.1: 2 of 1,613,478 alleles (0.00012%); highest among the groups gnomAD compares: Non-Finnish European, 0.00017%; no homozygotes.

Submissions (3):

Ambry Genetics
Classification: Uncertain significance for Hereditary cancer-predisposing syndrome. Last evaluated: 2026-07-16. Review status: criteria provided, single submitter. Criteria: Ambry Variant Classification Scheme 2023. Collection method: clinical testing. Allele origin: germline.
Comment: The p.P798A variant (also known as c.2392C>G), located in coding exon 9 of the BRCA1 gene, results from a C to G substitution at nucleotide position 2392. The proline at codon 798 is replaced by alanine, an amino acid with highly similar properties. This amino acid position is not well conserved in available vertebrate species. In addition, this alteration is predicted to be tolerated by in silico analysis. Based on the available evidence, the clinical significance of this variant remains unclear.

University of Washington Department of Laboratory Medicine, University of Washington
Classification: Likely benign for Hereditary cancer-predisposing syndrome. Last evaluated: 2023-03-23. Review status: criteria provided, single submitter. Criteria: Dines et al. (Genet Med. 2020). Collection method: curation. Allele origin: germline.
Comment: Missense variant in a coldspot region where missense variants are very unlikely to be pathogenic (PMID:31911673).

BRCA1 coldspot (exon 11 using historical exon numbering). Reclassification based on statistical prior probability

Foulkes Cancer Genetics LDI, Lady Davis Institute for Medical Research
Classification: Uncertain significance for Breast and/or ovarian cancer. Last evaluated: 2011-05-19. Review status: no assertion criteria provided. Collection method: clinical testing. Allele origin: germline. Study: The Canadian Open Genetics Repository (COGR). Not counted in ClinVar's aggregate classification.